The following is an entry in ClinVar:

NM_001297.5(CNGB1):c.262C>T (p.Gln88Ter)

Gene: CNGB1 (cyclic nucleotide gated channel subunit beta 1; minus strand). Cytogenetic location: 16q21.
Variant type: single nucleotide variant.
Coding change: c.262C>T on transcript NM_001297.5 (MANE Select); coding-DNA position 262, C replaced by T.
Protein change: p.Gln88Ter; replaces glutamine 88 with a stop codon.
Molecular consequence: nonsense.
Genome position (GRCh38, 1-based): chr16:57,964,158, G>A on the plus strand (C>T on the coding strand, the complement: CNGB1 is on the minus strand). VCF-style: chr16-57964158-G-A. GRCh37 (hg19) VCF-style: chr16-57998062-G-A.
Other names: c.262C>T, p.Gln88Ter (NM_001135639.2, NM_001286130.2); short protein forms Q88*.
Identifiers: ClinVar variation 236512 (VCV000236512.5), dbSNP rs878853394, ClinGen allele CA10581700.

ClinVar aggregate classification (germline): Pathogenic. Review status: criteria provided, multiple submitters, no conflicts (2 of 4 stars). 5 submissions from 5 submitters: Pathogenic (2). 3 of the submissions do not count toward it. Last evaluated 2026-03-31.

Conditions:
CNGB1-related disorder. Also called: CNGB1-related condition.
Retinal dystrophy. Also called: Inherited retinal dystrophy. Identifiers: Orphanet 71862, MedGen C0854723, MeSH D058499, MONDO:0019118, HP:0000556.
Retinitis pigmentosa (RP). Identifiers: Orphanet 791, MedGen C0035334, MeSH D012174, MONDO:0019200, OMIM 268000. Inheritance: Autosomal dominant, autosomal recessive and X linked inheritance.
Retinitis pigmentosa 45 (RP45). Identifiers: Orphanet 791, MedGen C3151066, MONDO:0013413, OMIM 613767.

Allele frequency attached by ClinVar (database versions not stated): gnomAD exomes below 0.00001.

Submissions (5):

GeneDx
Classification: Pathogenic. Last evaluated: 2026-03-31. Review status: criteria provided, single submitter. Criteria: GeneDx Variant Classification Process June 2021. Collection method: clinical testing. Allele origin: germline.
Comment: Nonsense variant predicted to result in protein truncation or nonsense mediated decay in a gene for which loss of function is a known mechanism of disease; Not observed at significant frequency in large population cohorts (gnomAD); This variant is associated with the following publications: (PMID: 27208204, 28056120, 31570810, 33847019, 38219857)

Fulgent Genetics
Classification: Pathogenic for Retinitis pigmentosa 45. Last evaluated: 2024-05-11. Review status: criteria provided, single submitter. Criteria: ACMG Guidelines, 2015. Collection method: clinical testing. Allele origin: germline.

PreventionGenetics, part of Exact Sciences
Classification: Pathogenic for CNGB1-related condition. Last evaluated: 2024-05-06. Review status: no assertion criteria provided. Collection method: clinical testing. Allele origin: germline. Not counted in ClinVar's aggregate classification.
Comment: The CNGB1 c.262C>T variant is predicted to result in premature protein termination (p.Gln88*). This variant has been reported along with a second CNGB1 variant in individuals with retinaly dystrophy (Table S5, Ellingford et al. 2016. PubMed ID: 27208204; Hull et al. 2017. PubMed ID: 28056120). This variant has not been reported in a large population database, indicating this variant is rare. Nonsense variants in CNGB1 are expected to be pathogenic. Given the evidence, we interpret this variant as pathogenic.

NIHR Bioresource Rare Diseases, University of Cambridge
Classification: Likely pathogenic for Retinitis pigmentosa. Last evaluated: 2015-01-01. Review status: no assertion criteria provided. Collection method: research. Allele origin: unknown. Affected: yes. Observed: 1 variant allele. Not counted in ClinVar's aggregate classification.

Centre for Genomic Medicine, Manchester, Central Manchester University Hospitals
Classification: Likely pathogenic for Retinal dystrophy. Review status: no assertion criteria provided. Collection method: clinical testing. Allele origin: germline. Affected: yes. Not counted in ClinVar's aggregate classification.

Literature cited by the submitters: PubMed 28041643 (cited by NIHR Bioresource Rare Diseases, University of Cambridge).